The following is an entry in ClinVar:

NM_003052.5(SLC34A1):c.-48+1G>A

Gene: SLC34A1 (solute carrier family 34 member 1; plus strand). Cytogenetic location: 5q35.3.
Variant type: single nucleotide variant.
Coding change: c.-48+1G>A on transcript NM_003052.5 (MANE Select); the canonical splice donor site of the intron after 48 bases upstream of the start codon, G replaced by A.
Molecular consequence: splice donor variant.
Genome position (GRCh38, 1-based): chr5:177,384,488, G>A. VCF-style: chr5-177384488-G-A. GRCh37 (hg19) VCF-style: chr5-176811489-G-A.
Other names: c.-48+1G>A (NM_001167579.2).
Identifiers: ClinVar variation 5017201 (VCV005017201.1).

ClinVar aggregate classification (germline): Uncertain significance (1 of 4 stars; one submission).

Submission:

GeneDx
Classification: Uncertain significance. Last evaluated: 2026-03-26. Review status: criteria provided, single submitter. Criteria: GeneDx Variant Classification Process June 2021. Collection method: clinical testing. Allele origin: germline.
Comment: In silico analysis supports a deleterious effect on splicing; Has not been previously published as pathogenic or benign to our knowledge; Located in a regulatory region; in the absence of functional studies, the actual effect of this sequence change is unknown